The following is an entry in ClinVar:

ClinVar aggregate classification (germline): Uncertain significance. Review status: criteria provided, multiple submitters, no conflicts (2 of 4 stars). 6 submissions from 6 submitters: Uncertain significance (5). 1 of the submissions does not count toward it. Last evaluated 2024-11-05.

Conditions:
Inborn genetic diseases. Identifiers: MedGen C0950123, MeSH D030342.
Neuromuscular disease caused by qualitative or quantitative defects of dysferlin. Also called: Qualitative or quantitative defects of dysferlin; Dysferlinopathy. Identifiers: Orphanet 207073, MedGen C2931687, MONDO:0016145.
Autosomal recessive limb-girdle muscular dystrophy type 2B (LGMDR2). Also called: MUSCULAR DYSTROPHY, LIMB-GIRDLE, AUTOSOMAL RECESSIVE 2; MUSCULAR DYSTROPHY, LIMB-GIRDLE, TYPE 3; Limb-Girdle Muscular Dystrophy Type 2B (LGMD2B); Limb-girdle muscular dystrophy, type 2B. Identifiers: Orphanet 268, MedGen C1850889, MONDO:0009676, OMIM 253601.

Allele frequency attached by ClinVar (database versions not stated): gnomAD exomes 0.00001 and 0.00002; ExAC 0.00002; TOPMed 0.00002; gnomAD 0.00003.
gnomAD v4.1: 20 of 1,613,936 alleles (0.0012%); highest among the groups gnomAD compares: Admixed American, 0.02%; no homozygotes.

Submissions (6):

Labcorp Genetics (formerly Invitae), Labcorp
Classification: Uncertain significance for Neuromuscular disease caused by qualitative or quantitative defects of dysferlin. Last evaluated: 2024-11-05. Review status: criteria provided, single submitter. Criteria: Invitae Variant Classification Sherloc (09022015). Collection method: clinical testing. Allele origin: germline.
Comment: This sequence change replaces arginine, which is basic and polar, with histidine, which is basic and polar, at codon 1151 of the DYSF protein (p.Arg1151His). This variant is present in population databases (rs780134612, gnomAD 0.009%). This variant has not been reported in the literature in individuals affected with DYSF-related conditions. ClinVar contains an entry for this variant (Variation ID: 501286). Invitae Evidence Modeling of protein sequence and biophysical properties (such as structural, functional, and spatial information, amino acid conservation, physicochemical variation, residue mobility, and thermodynamic stability) indicates that this missense variant is not expected to disrupt DYSF protein function with a negative predictive value of 95%. In summary, the available evidence is currently insufficient to determine the role of this variant in disease. Therefore, it has been classified as a Variant of Uncertain Significance.

CeGaT Center for Human Genetics Tuebingen
Classification: Uncertain significance. Last evaluated: 2023-07-01. Review status: criteria provided, single submitter. Criteria: CeGaT Center For Human Genetics Tuebingen Variant Classification Criteria Version 2. Collection method: clinical testing. Allele origin: germline. Affected: yes. Observed: 1 variant allele.

Athena Diagnostics
Classification: Uncertain significance. Last evaluated: 2022-11-04. Review status: criteria provided, single submitter. Criteria: Athena Diagnostics Criteria. Collection method: clinical testing. Allele origin: unknown.
Comment: Available data are insufficient to determine the clinical significance of the variant at this time. The frequency of this variant in the general population is uninformative in assessment of its pathogenicity. Computational tools disagree on the variant's effect on normal protein function.

Ambry Genetics
Classification: Uncertain significance for Inborn genetic diseases. Last evaluated: 2021-08-02. Review status: criteria provided, single submitter. Criteria: Ambry Variant Classification Scheme 2023. Collection method: clinical testing. Allele origin: germline.

Eurofins Ntd Llc (ga)
Classification: Uncertain significance. Last evaluated: 2017-04-18. Review status: criteria provided, single submitter. Criteria: EGL Classification Definitions 2015. Collection method: clinical testing. Allele origin: germline. Observed: 1 variant allele, 1 heterozygote.

Natera, Inc.
Classification: Uncertain significance for Limb-girdle muscular dystrophy type 2B. Last evaluated: 2019-10-28. Review status: no assertion criteria provided. Collection method: clinical testing. Allele origin: germline. Not counted in ClinVar's aggregate classification.

NM_001130987.2(DYSF):c.3506G>A (p.Arg1169His)

Gene: DYSF (dysferlin; plus strand). Cytogenetic location: 2p13.2.
Variant type: single nucleotide variant.
Coding change: c.3506G>A on transcript NM_001130987.2 (MANE Select); coding-DNA position 3506, G replaced by A.
Protein change: p.Arg1169His; replaces arginine 1169 with histidine.
Molecular consequence: missense variant.
Genome position (GRCh38, 1-based): chr2:71,590,220, G>A. VCF-style: chr2-71590220-G-A. GRCh37 (hg19) VCF-style: chr2-71817350-G-A.
Other names: c.3455G>A, p.Arg1152His (NM_001130455.2, NM_001130983.2); c.3410G>A, p.Arg1137His (NM_001130976.2, NM_001130977.2); c.3452G>A, p.Arg1151His (NM_001130978.2, NM_003494.4); c.3545G>A, p.Arg1182His (NM_001130979.2); c.3503G>A, p.Arg1168His (NM_001130980.2, NM_001130981.2); c.3548G>A, p.Arg1183His (NM_001130982.2); c.3413G>A, p.Arg1138His (NM_001130984.2, NM_001130986.2); c.3506G>A, p.Arg1169His (NM_001130985.2); short protein forms R1151H, R1169H, R1137H, R1152H, R1182H, R1168H, R1138H, R1183H.
Identifiers: ClinVar variation 501286 (VCV000501286.35), dbSNP rs780134612, ClinGen allele CA1706612.